The following is an entry in ClinVar:

ClinVar aggregate classification (germline): Conflicting classifications of pathogenicity. Review status: criteria provided, conflicting classifications (1 of 4 stars). 8 submissions from 7 submitters: Uncertain significance (2); Likely benign (5). 1 of the submissions does not count toward it. Last evaluated 2026-05-12.

Conditions:
COL2A1-related disorder. Also called: COL2A1-related condition; COL2A1-related disorders.
Type 2 collagenopathy. Identifiers: Orphanet 93421, MedGen C2931073, MONDO:0022800.
Stickler syndrome type 1 (STL1). Also called: COL2A1-Related Stickler Syndrome; ARTHROOPHTHALMOPATHY, HEREDITARY PROGRESSIVE; STICKLER SYNDROME, MEMBRANOUS VITREOUS TYPE; STICKLER SYNDROME, VITREOUS TYPE 1. Identifiers: Orphanet 828, Orphanet 90653, MedGen C2020284, MONDO:0007160, OMIM 108300.

Allele frequency attached by ClinVar (database versions not stated): TOPMed 0.00023; gnomAD 0.00026 and 0.00028; ExAC 0.00028; gnomAD exomes 0.00030 and 0.00055; ESP Exome Variant Server 0.00038.
gnomAD v4.1: 862 of 1,611,368 alleles (0.053%); highest among the groups gnomAD compares: Non-Finnish European, 0.064%; no homozygotes.

Submissions (8):

Women's Health and Genetics/Laboratory Corporation of America, LabCorp
Classification: Likely benign. Last evaluated: 2026-05-12. Review status: criteria provided, single submitter. Criteria: LabCorp Variant Classification Summary - May 2015. Collection method: clinical testing. Allele origin: germline.

Labcorp Genetics (formerly Invitae), Labcorp
Classification: Likely benign. Last evaluated: 2026-02-01. Review status: criteria provided, single submitter. Criteria: Invitae Variant Classification Sherloc (09022015). Collection method: clinical testing. Allele origin: germline.

Blueprint Genetics
Classification: Likely benign. Last evaluated: 2024-11-11. Review status: criteria provided, single submitter. Criteria: ACMG Guidelines, 2015. Collection method: clinical testing. Allele origin: germline.

GeneDx
Classification: Likely benign. Last evaluated: 2020-08-13. Review status: criteria provided, single submitter. Criteria: GeneDx Variant Classification Process June 2021. Collection method: clinical testing. Allele origin: germline. Affected: yes.

Illumina Laboratory Services, Illumina
Classification: Likely benign for Stickler syndrome type 1. Last evaluated: 2017-04-27. Review status: criteria provided, single submitter. Criteria: ICSL Variant Classification Criteria 13 December 2019. Collection method: clinical testing. Allele origin: germline.
Comment: This variant was observed as part of a predisposition screen in an ostensibly healthy population. A literature search was performed for the gene, cDNA change, and amino acid change (where applicable). No publications were found based on this search. Allele frequency data from public databases allowed determination this variant is unlikely to cause disease. Therefore, this variant is classified as likely benign.

Illumina Laboratory Services, Illumina
Classification: Uncertain significance for Type II Collagenopathies. Last evaluated: 2017-04-27. Review status: criteria provided, single submitter. Criteria: ICSL Variant Classification Criteria 13 December 2019. Collection method: clinical testing. Allele origin: germline.

Eurofins Ntd Llc (ga)
Classification: Uncertain significance. Last evaluated: 2017-02-15. Review status: criteria provided, single submitter. Criteria: EGL Classification Definitions 2015. Collection method: clinical testing. Allele origin: germline. Observed: 3 variant alleles, 3 heterozygotes.

PreventionGenetics, part of Exact Sciences
Classification: Likely benign for COL2A1-related condition. Last evaluated: 2020-06-09. Review status: no assertion criteria provided. Collection method: clinical testing. Allele origin: germline. Not counted in ClinVar's aggregate classification.
Comment: This variant is classified as likely benign based on ACMG/AMP sequence variant interpretation guidelines (Richards et al. 2015 PMID: 25741868, with internal and published modifications).

NM_001844.5(COL2A1):c.2680-9C>T

Gene: COL2A1 (collagen type II alpha 1 chain; minus strand). Cytogenetic location: 12q13.11.
Variant type: single nucleotide variant.
Coding change: c.2680-9C>T on transcript NM_001844.5 (MANE Select); 9 bases into the intron before coding-DNA position 2680, C replaced by T.
Molecular consequence: intron variant.
Genome position (GRCh38, 1-based): chr12:47,979,573, G>A on the plus strand (C>T on the coding strand, the complement: COL2A1 is on the minus strand). VCF-style: chr12-47979573-G-A. GRCh37 (hg19) VCF-style: chr12-48373356-G-A.
Other names: c.2473-9C>T (NM_033150.3).
Identifiers: ClinVar variation 197431 (VCV000197431.26), dbSNP rs369022247, ClinGen allele CA245565.